The following is an entry in ClinVar:

NM_000277.3(PAH):c.510-5T>A

Gene: PAH (phenylalanine hydroxylase; minus strand). Cytogenetic location: 12q23.2.
Variant type: single nucleotide variant.
Coding change: c.510-5T>A on transcript NM_000277.3 (MANE Select); 5 bases into the intron before coding-DNA position 510, T replaced by A.
Molecular consequence: intron variant.
Genome position (GRCh38, 1-based): chr12:102,855,337, A>T on the plus strand (T>A on the coding strand, the complement: PAH is on the minus strand). VCF-style: chr12-102855337-A-T. GRCh37 (hg19) VCF-style: chr12-103249115-A-T.
Other names: c.510-5T>A (NM_001354304.2).
Identifiers: ClinVar variation 1019123 (VCV001019123.10), dbSNP rs1875378128, ClinGen allele CA2059449940.

ClinVar aggregate classification (germline): Conflicting classifications of pathogenicity. Review status: criteria provided, conflicting classifications (1 of 4 stars). 4 submissions from 4 submitters: Likely pathogenic (1); Uncertain significance (2). 1 of the submissions does not count toward it. Last evaluated 2026-04-07.

Conditions:
Phenylketonuria (PKU). Also called: OLIGOPHRENIA PHENYLPYRUVICA; Phenylketonuria (PKU); Phenylketonurias; FOLLING DISEASE. Identifiers: Orphanet 716, MedGen C0031485, MONDO:0009861, OMIM 261600. Disease mechanism: loss of function.

Allele frequency attached by ClinVar (database versions not stated): gnomAD exomes below 0.00001.
gnomAD v4.1: 2 of 1,613,816 alleles (0.00012%); highest among the groups gnomAD compares: Non-Finnish European, 0.00017%; no homozygotes.

Submissions (4):

Women's Health and Genetics/Laboratory Corporation of America, LabCorp
Classification: Uncertain significance. Last evaluated: 2026-04-07. Review status: criteria provided, single submitter. Criteria: LabCorp Variant Classification Summary - May 2015. Collection method: clinical testing. Allele origin: germline.
Comment: Variant summary: PAH c.510-5T>A alters a conserved nucleotide located at a position not widely known to affect splicing. Several computational tools predict a significant impact on normal splicing: Two predict the variant abolishes a canonical 3' acceptor site and two predict the variant weakens a canonical 3' acceptor site. However, these predictions have yet to be confirmed by functional studies. The variant was absent in 250720 control chromosomes. The available data on variant occurrences in the general population are insufficient to allow any conclusion about variant significance. c.510-5T>A has been observed in at least one compound heterozygous individual affected with Phenylalanine Hydroxylase Deficiency (Phenylketonuria) (example: internal data). These data do not allow any conclusion about variant significance. To our knowledge, no experimental evidence demonstrating an impact on protein function has been reported. ClinVar contains an entry for this variant (Variation ID: 1019123). Based on the evidence outlined above, the variant was classified as uncertain significance.

Labcorp Genetics (formerly Invitae), Labcorp
Classification: Likely pathogenic for Phenylketonuria. Last evaluated: 2025-11-17. Review status: criteria provided, single submitter. Criteria: Invitae Variant Classification Sherloc (09022015). Collection method: clinical testing. Allele origin: germline.
Comment: This sequence change falls in intron 5 of the PAH gene. It does not directly change the encoded amino acid sequence of the PAH protein. This variant is not present in population databases (gnomAD no frequency). This variant has been observed in individual(s) with PAH-related conditions (internal data). In at least one individual the data is consistent with being in trans (on the opposite chromosome) from a pathogenic variant. ClinVar contains an entry for this variant (Variation ID: 1019123). Algorithms developed to predict the effect of sequence changes on RNA splicing suggest that this variant may disrupt the consensus splice site. In summary, the currently available evidence indicates that the variant is pathogenic, but additional data are needed to prove that conclusively. Therefore, this variant has been classified as Likely Pathogenic.

Myriad Genetics, Inc.
Classification: Uncertain significance for Phenylketonuria. Last evaluated: 2025-09-22. Review status: criteria provided, single submitter. Criteria: Myriad Autosomal Dominant, Autosomal Recessive and X-Linked Classification Criteria (2023). Collection method: clinical testing. Allele origin: unknown.
Comment: NM_000277.1(PAH):c.510-5T>A is an intronic variant classified as a variant of uncertain significance in the context of phenylalanine hydroxylase deficiency. c.510-5T>A has not been observed in cases with relevant disease. Relevant functional assessments of this variant are not available in the literature. c.510-5T>A has not been observed in referenced population frequency databases. In summary, there is insufficient evidence to classify NM_000277.1(PAH):c.510-5T>A as pathogenic or benign. Please note: this variant was assessed in the context of healthy population screening.

Natera, Inc.
Classification: Uncertain significance for Phenylketonuria. Last evaluated: 2020-09-24. Review status: no assertion criteria provided. Collection method: clinical testing. Allele origin: germline. Not counted in ClinVar's aggregate classification.